The following is an entry in ClinVar:

NM_002180.3(IGHMBP2):c.2123C>G (p.Ser708Cys)

Gene: IGHMBP2 (immunoglobulin mu DNA binding protein 2; plus strand). Cytogenetic location: 11q13.3.
Variant type: single nucleotide variant.
Coding change: c.2123C>G on transcript NM_002180.3 (MANE Select); coding-DNA position 2123, C replaced by G.
Protein change: p.Ser708Cys; replaces serine 708 with cysteine.
Molecular consequence: missense variant.
Genome position (GRCh38, 1-based): chr11:68,936,603, C>G. VCF-style: chr11-68936603-C-G. GRCh37 (hg19) VCF-style: chr11-68704071-C-G.
Other names: short protein forms S708C.
Identifiers: ClinVar variation 842242 (VCV000842242.10), dbSNP rs1042372226, ClinGen allele CA223413374.
Genomic context (GRCh38, chr11:68,936,603, plus strand): 5'-CACCTGCCAGACAGGGCCGGAAGAAGCCGGCTGGGAAGTCTCTGGCCTCTGAAGCTCCAT[C>G]TCAGCCCAGCCTCAACGGAGGCAGCCCAGAGGGAGTGGAGAGCCAAGATGGCGTGGACCA-3'
Protein context (NP_002171.2, residues 698-718): AGKSLASEAP[Ser708Cys]QPSLNGGSPE

ClinVar aggregate classification (germline): Uncertain significance. Review status: criteria provided, multiple submitters, no conflicts (2 of 4 stars). 3 submissions from 3 submitters: Uncertain significance (3). Last evaluated 2024-10-05.

Conditions:
Autosomal recessive distal spinal muscular atrophy 1. Also called: SEVERE INFANTILE AXONAL NEUROPATHY WITH RESPIRATORY FAILURE; SPINAL MUSCULAR ATROPHY, DIAPHRAGMATIC; Spinal muscular atrophy with respiratory distress 1; HMN VI; NEURONOPATHY, SEVERE INFANTILE AXONAL, WITH RESPIRATORY FAILURE; NEURONOPATHY, DISTAL HEREDITARY MOTOR, HARDING TYPE VI. Identifiers: Orphanet 98920, MedGen C1858517, MONDO:0011436, OMIM 604320.
Charcot-Marie-Tooth disease axonal type 2S. Also called: CHARCOT-MARIE-TOOTH DISEASE, AXONAL, AUTOSOMAL RECESSIVE, TYPE 2S; CHARCOT-MARIE-TOOTH NEUROPATHY, TYPE 2S. Identifiers: Orphanet 443073, MedGen C4015349, MONDO:0014511, OMIM 616155.

Allele frequency attached by ClinVar (database versions not stated): gnomAD exomes below 0.00001 and 0.00001; gnomAD 0.00001; TOPMed 0.00003.
gnomAD v4.1: 3 of 1,613,196 alleles (0.00019%); highest among the groups gnomAD compares: African/African-American, 0.004%; no homozygotes.

Submissions (3):

GeneDx
Classification: Uncertain significance. Last evaluated: 2024-10-05. Review status: criteria provided, single submitter. Criteria: GeneDx Variant Classification Process June 2021. Collection method: clinical testing. Allele origin: germline. Affected: yes.
Comment: Not observed at significant frequency in large population cohorts (gnomAD); In silico analysis indicates that this missense variant does not alter protein structure/function; Has not been previously published as pathogenic or benign to our knowledge

Labcorp Genetics (formerly Invitae), Labcorp
Classification: Uncertain significance for Autosomal recessive distal spinal muscular atrophy 1; Charcot-Marie-Tooth disease axonal type 2S. Last evaluated: 2023-10-03. Review status: criteria provided, single submitter. Criteria: Invitae Variant Classification Sherloc (09022015). Collection method: clinical testing. Allele origin: germline.
Comment: This sequence change replaces serine, which is neutral and polar, with cysteine, which is neutral and slightly polar, at codon 708 of the IGHMBP2 protein (p.Ser708Cys). This variant is present in population databases (no rsID available, gnomAD 0.008%). This variant has not been reported in the literature in individuals affected with IGHMBP2-related conditions. ClinVar contains an entry for this variant (Variation ID: 842242). Advanced modeling of protein sequence and biophysical properties (such as structural, functional, and spatial information, amino acid conservation, physicochemical variation, residue mobility, and thermodynamic stability) performed at Invitae indicates that this missense variant is not expected to disrupt IGHMBP2 protein function. In summary, the available evidence is currently insufficient to determine the role of this variant in disease. Therefore, it has been classified as a Variant of Uncertain Significance.

Breakthrough Genomics
Classification: Uncertain significance. Review status: criteria provided, single submitter. Criteria: ACMG Guidelines, 2015. Collection method: not provided. Allele origin: germline. Inheritance: Autosomal recessive inheritance. Affected: yes.